The following is an entry in ClinVar:

ClinVar aggregate classification (germline): Likely benign. Review status: criteria provided, multiple submitters, no conflicts (2 of 4 stars). 3 submissions from 3 submitters: Likely benign (3). Last evaluated 2025-11-15.

Conditions:
Developmental and epileptic encephalopathy, 12 (DEE12). Identifiers: MedGen C3150988, MONDO:0013389, OMIM 613722.

Allele frequency attached by ClinVar (database versions not stated): gnomAD exomes 0.00001.
gnomAD v4.1: 3 of 1,565,958 alleles (0.00019%); highest among the groups gnomAD compares: Non-Finnish European, 0.00026%; no homozygotes.

Submissions (3):

Labcorp Genetics (formerly Invitae), Labcorp
Classification: Likely benign for Developmental and epileptic encephalopathy, 12. Last evaluated: 2025-11-15. Review status: criteria provided, single submitter. Criteria: Invitae Variant Classification Sherloc (09022015). Collection method: clinical testing. Allele origin: germline.

Blueprint Genetics
Classification: Likely benign. Last evaluated: 2019-02-04. Review status: criteria provided, single submitter. Criteria: ACMG Guidelines, 2015. Collection method: clinical testing. Allele origin: germline.

GeneDx
Classification: Likely benign. Last evaluated: 2017-04-28. Review status: criteria provided, single submitter. Criteria: GeneDx Variant Classification (06012015). Collection method: clinical testing. Allele origin: germline. Affected: yes.
Comment: This variant is considered likely benign or benign based on one or more of the following criteria: it is a conservative change, it occurs at a poorly conserved position in the protein, it is predicted to be benign by multiple in silico algorithms, and/or has population frequency not consistent with disease.

NM_007254.4(PNKP):c.1287G>C (p.Ala429=)

Gene: PNKP (polynucleotide kinase 3'-phosphatase; minus strand). Cytogenetic location: 19q13.33.
Variant type: single nucleotide variant.
Coding change: c.1287G>C on transcript NM_007254.4 (MANE Select); coding-DNA position 1287, G replaced by C.
Protein change: p.Ala429=; no amino-acid change (alanine 429 retained).
Molecular consequence: synonymous variant.
Genome position (GRCh38, 1-based): chr19:49,861,783, C>G on the plus strand (G>C on the coding strand, the complement: PNKP is on the minus strand). VCF-style: chr19-49861783-C-G. GRCh37 (hg19) VCF-style: chr19-50365040-C-G.
Identifiers: ClinVar variation 509255 (VCV000509255.11), dbSNP rs1281900821, ClinGen allele CA508296596.